The following is an entry in ClinVar:

NM_014639.4(SKIC3):c.1724T>C (p.Leu575Ser)

Gene: SKIC3 (SKI3 subunit of superkiller complex; minus strand). Cytogenetic location: 5q15.
Variant type: single nucleotide variant.
Coding change: c.1724T>C on transcript NM_014639.4 (MANE Select); coding-DNA position 1724, T replaced by C.
Protein change: p.Leu575Ser; replaces leucine 575 with serine.
Molecular consequence: missense variant.
Genome position (GRCh38, 1-based): chr5:95,523,235, A>G on the plus strand (T>C on the coding strand, the complement: SKIC3 is on the minus strand). VCF-style: chr5-95523235-A-G. GRCh37 (hg19) VCF-style: chr5-94858939-A-G.
Other names: short protein forms L575S.
Identifiers: ClinVar variation 5006938 (VCV005006938.2).

ClinVar aggregate classification (germline): Uncertain significance (1 of 4 stars; one submission).

Conditions:
Trichohepatoenteric syndrome 1 (THES1). Also called: DIARRHEA, FATAL INFANTILE, WITH TRICHORRHEXIS NODOSA. Identifiers: Orphanet 84064, MedGen C4551982, MONDO:0024541, OMIM 222470.

gnomAD v4.1: 5 of 1,613,928 alleles (0.00031%); highest among the groups gnomAD compares: East Asian, 0.0045%; no homozygotes.

Submission:

Juno Genomics, Hangzhou Juno Genomics, Inc
Classification: Uncertain significance for Trichohepatoenteric syndrome 1. Review status: criteria provided, single submitter. Criteria: ACMG Guidelines, 2015. Collection method: clinical testing. Allele origin: germline.
Comment: Absent from controls (or at extremely low frequency if recessive) in Genome Aggregation Database.